The following is an entry in ClinVar:

NM_032436.4(CHAMP1):c.1224T>C (p.His408=)

Gene: CHAMP1 (chromosome alignment maintaining phosphoprotein 1; plus strand). Cytogenetic location: 13q34.
Variant type: single nucleotide variant.
Coding change: c.1224T>C on transcript NM_032436.4 (MANE Select); coding-DNA position 1224, T replaced by C.
Protein change: p.His408=; no amino-acid change (histidine 408 retained).
Molecular consequence: synonymous variant.
Genome position (GRCh38, 1-based): chr13:114,325,066, T>C. VCF-style: chr13-114325066-T-C. GRCh37 (hg19) VCF-style: chr13-115090541-T-C.
Other names: c.1224T>C, p.His408= (NM_001164144.3, NM_001164145.3).
Identifiers: ClinVar variation 1879265 (VCV001879265.29), dbSNP rs2087226821, ClinGen allele CA485436231.

ClinVar aggregate classification (germline): Likely benign (1 of 4 stars; one submission).

Allele frequency attached by ClinVar (database versions not stated): gnomAD exomes below 0.00001.
gnomAD v4.1: 1 of 1,614,040 alleles (0.000062%); highest among the groups gnomAD compares: Non-Finnish European, 0.000085%; no homozygotes.

Submission:

CeGaT Center for Human Genetics Tuebingen
Classification: Likely benign. Last evaluated: 2022-12-01. Review status: criteria provided, single submitter. Criteria: CeGaT Center For Human Genetics Tuebingen Variant Classification Criteria Version 2. Collection method: clinical testing. Allele origin: germline. Affected: yes. Observed: 1 variant allele.
Comment: CHAMP1: PM2:Supporting, BP4, BP7